The following is an entry in ClinVar:

ClinVar aggregate classification (germline): Uncertain significance. Review status: criteria provided, multiple submitters, no conflicts (2 of 4 stars). 4 submissions from 4 submitters: Uncertain significance (3). 1 of the submissions does not count toward it. Last evaluated 2024-09-25.

Conditions:
Klippel-Feil anomaly-myopathy-facial dysmorphism syndrome. Also called: Klippel-Feil syndrome 4, autosomal recessive, with myopathy and facial dysmorphism; Klippel-feil syndrome 4, autosomal recessive, with nemaline myopathy and facial dysmorphism. Identifiers: Orphanet 447974, MedGen C4225285, MONDO:0014689, OMIM 616549.

Allele frequency attached by ClinVar (database versions not stated): gnomAD 0.00003 and 0.00004; gnomAD exomes 0.00004 and 0.00007; TOPMed 0.00004; ExAC 0.00019.
gnomAD v4.1: 69 of 1,592,850 alleles (0.0043%); highest among the groups gnomAD compares: Middle Eastern, 0.035%; no homozygotes.

Submissions (4):

Blueprint Genetics
Classification: Uncertain significance. Last evaluated: 2024-09-25. Review status: criteria provided, single submitter. Criteria: ACMG Guidelines, 2015. Collection method: clinical testing. Allele origin: germline.

Labcorp Genetics (formerly Invitae), Labcorp
Classification: Uncertain significance. Last evaluated: 2024-06-24. Review status: criteria provided, single submitter. Criteria: Invitae Variant Classification Sherloc (09022015). Collection method: clinical testing. Allele origin: germline.
Comment: This sequence change replaces arginine, which is basic and polar, with tryptophan, which is neutral and slightly polar, at codon 1133 of the MYO18B protein (p.Arg1133Trp). This variant is present in population databases (rs775800465, gnomAD 0.01%). This missense change has been observed in individual(s) with clinical features of MYO18B-related conditions (PMID: 31230720). ClinVar contains an entry for this variant (Variation ID: 816844). An algorithm developed to predict the effect of missense changes on protein structure and function (PolyPhen-2) suggests that this variant is likely to be disruptive. In summary, the available evidence is currently insufficient to determine the role of this variant in disease. Therefore, it has been classified as a Variant of Uncertain Significance.

CeGaT Center for Human Genetics Tuebingen
Classification: Uncertain significance. Last evaluated: 2022-04-01. Review status: criteria provided, single submitter. Criteria: CeGaT Center For Human Genetics Tuebingen Variant Classification Criteria Version 2. Collection method: clinical testing. Allele origin: germline. Affected: yes. Observed: 1 variant allele.

Lupski Lab, Baylor-Hopkins CMG, Baylor College of Medicine
Classification: Uncertain significance for Klippel-Feil anomaly-myopathy-facial dysmorphism syndrome. Review status: no assertion criteria provided. Collection method: research. Allele origin: inherited. Inheritance: Autosomal recessive inheritance. Affected: yes. Observed: 2 variant alleles, 1 heterozygote, 1 compound heterozygote. Not counted in ClinVar's aggregate classification.

Literature cited by the submitters: PubMed 31230720 (cited by Labcorp Genetics (formerly Invitae), Labcorp).

NM_032608.7(MYO18B):c.3397C>T (p.Arg1133Trp)

Gene: MYO18B (myosin XVIIIB; plus strand). Cytogenetic location: 22q12.1.
Variant type: single nucleotide variant.
Coding change: c.3397C>T on transcript NM_032608.7 (MANE Select); coding-DNA position 3397, C replaced by T.
Protein change: p.Arg1133Trp; replaces arginine 1133 with tryptophan.
Molecular consequence: missense variant.
Genome position (GRCh38, 1-based): chr22:25,846,128, C>T. VCF-style: chr22-25846128-C-T. GRCh37 (hg19) VCF-style: chr22-26242095-C-T.
Other names: c.3400C>T, p.Arg1134Trp (NM_001318245.2); short protein forms R1133W, R1134W.
Identifiers: ClinVar variation 816844 (VCV000816844.29), dbSNP rs775800465, ClinGen allele CA10160553.